The following is an entry in ClinVar:

ClinVar aggregate classification (germline): Benign/Likely benign. Review status: criteria provided, multiple submitters, no conflicts (2 of 4 stars). 2 submissions from 2 submitters: Benign (1); Likely benign (1). Last evaluated 2025-10-02.

Allele frequency attached by ClinVar (database versions not stated): gnomAD exomes 0.00002; TOPMed 0.00003; ExAC 0.00005; gnomAD 0.00005.
gnomAD v4.1: 38 of 1,570,212 alleles (0.0024%); highest among the groups gnomAD compares: Middle Eastern, 0.017%; no homozygotes.

Submissions (2):

Labcorp Genetics (formerly Invitae), Labcorp
Classification: Benign. Last evaluated: 2025-10-02. Review status: criteria provided, single submitter. Criteria: Invitae Variant Classification Sherloc (09022015). Collection method: clinical testing. Allele origin: germline.

CeGaT Center for Human Genetics Tuebingen
Classification: Likely benign. Last evaluated: 2024-03-01. Review status: criteria provided, single submitter. Criteria: CeGaT Center For Human Genetics Tuebingen Variant Classification Criteria Version 2. Collection method: clinical testing. Allele origin: germline. Affected: yes. Observed: 1 variant allele.
Comment: KMT2B: BP4, BP7

NM_014727.3(KMT2B):c.1503C>T (p.Thr501=)

Gene: KMT2B (lysine methyltransferase 2B; plus strand). Cytogenetic location: 19q13.12.
Variant type: single nucleotide variant.
Coding change: c.1503C>T on transcript NM_014727.3 (MANE Select); coding-DNA position 1503, C replaced by T.
Protein change: p.Thr501=; no amino-acid change (threonine 501 retained).
Molecular consequence: synonymous variant.
Genome position (GRCh38, 1-based): chr19:35,720,850, C>T. VCF-style: chr19-35720850-C-T. GRCh37 (hg19) VCF-style: chr19-36211752-C-T.
Identifiers: ClinVar variation 1897552 (VCV001897552.26), dbSNP rs768819878, ClinGen allele CA9384234.
Genomic context (GRCh38, chr19:35,720,850, plus strand): 5'-GCGGGAAGCTGCTCGGGCAGGGCCAGAGGGCACCTCTCCTCCCACTCCAACCCCCAGCAC[C>T]GCCACGGGAGGCCCTCCGGAAGACAGTCCCACCGTGGCCCCCAAAAGCACCACCTTCCTG-3'
Protein context (NP_055542.1, residues 491-511): GTSPPTPTPS[Thr501=]ATGGPPEDSP